The following is an entry in ClinVar:

ClinVar aggregate classification (germline): Uncertain significance (1 of 4 stars; one submission).

Submission:

Labcorp Genetics (formerly Invitae), Labcorp
Classification: Uncertain significance. Last evaluated: 2023-06-23. Review status: criteria provided, single submitter. Criteria: Invitae Variant Classification Sherloc (09022015). Collection method: clinical testing. Allele origin: germline.
Comment: In summary, the available evidence is currently insufficient to determine the role of this variant in disease. Therefore, it has been classified as a Variant of Uncertain Significance. An algorithm developed to predict the effect of missense changes on protein structure and function (PolyPhen-2) suggests that this variant is likely to be disruptive. This variant has not been reported in the literature in individuals affected with HPS5-related conditions. This variant is not present in population databases (gnomAD no frequency). This sequence change replaces arginine, which is basic and polar, with glycine, which is neutral and non-polar, at codon 215 of the HPS5 protein (p.Arg215Gly).

NM_181507.2(HPS5):c.643A>G (p.Arg215Gly)

Gene: HPS5 (HPS5 biogenesis of lysosomal organelles complex 2 subunit 2; minus strand). Cytogenetic location: 11p15.1.
Variant type: single nucleotide variant.
Coding change: c.643A>G on transcript NM_181507.2 (MANE Select); coding-DNA position 643, A replaced by G.
Protein change: p.Arg215Gly; replaces arginine 215 with glycine.
Molecular consequence: missense variant.
Genome position (GRCh38, 1-based): chr11:18,306,316, T>C on the plus strand (A>G on the coding strand, the complement: HPS5 is on the minus strand). VCF-style: chr11-18306316-T-C. GRCh37 (hg19) VCF-style: chr11-18327863-T-C.
Other names: c.301A>G, p.Arg101Gly (NM_007216.4, NM_181508.2); short protein forms R215G, R101G.
Identifiers: ClinVar variation 2968190 (VCV002968190.3), dbSNP rs2494104817, ClinGen allele CA379502935.